The following is an entry in ClinVar:

NM_000183.3(HADHB):c.514C>T (p.Pro172Ser)

Gene: HADHB (hydroxyacyl-CoA dehydrogenase trifunctional multienzyme complex subunit beta; plus strand). Cytogenetic location: 2p23.3.
Variant type: single nucleotide variant.
Coding change: c.514C>T on transcript NM_000183.3 (MANE Select); coding-DNA position 514, C replaced by T.
Protein change: p.Pro172Ser; replaces proline 172 with serine.
Molecular consequence: missense variant.
Genome position (GRCh38, 1-based): chr2:26,278,685, C>T. VCF-style: chr2-26278685-C-T. GRCh37 (hg19) VCF-style: chr2-26501553-C-T.
Other names: c.469C>T, p.Pro157Ser (NM_001281512.2); c.448C>T, p.Pro150Ser (NM_001281513.2); short protein forms P150S, P157S, P172S.
Identifiers: ClinVar variation 1200629 (VCV001200629.6), dbSNP rs367891116, ClinGen allele CA1560258.

ClinVar aggregate classification (germline): Uncertain significance. Review status: criteria provided, multiple submitters, no conflicts (2 of 4 stars). 3 submissions from 3 submitters: Uncertain significance (3). Last evaluated 2024-07-16.

Conditions:
Mitochondrial trifunctional protein deficiency. Identifiers: Orphanet 746, MedGen C1969443, MONDO:0012172.

Allele frequency attached by ClinVar (database versions not stated): TOPMed 0.00002; gnomAD exomes 0.00003 and 0.00008; ESP Exome Variant Server 0.00008; ExAC 0.00014.
gnomAD v4.1: 43 of 1,613,952 alleles (0.0027%); highest among the groups gnomAD compares: Non-Finnish European, 0.0035%; no homozygotes.

Submissions (3):

Blueprint Genetics
Classification: Uncertain significance. Last evaluated: 2024-07-16. Review status: criteria provided, single submitter. Criteria: ACMG Guidelines, 2015. Collection method: clinical testing. Allele origin: germline.

Labcorp Genetics (formerly Invitae), Labcorp
Classification: Uncertain significance for Mitochondrial trifunctional protein deficiency. Last evaluated: 2022-09-14. Review status: criteria provided, single submitter. Criteria: Invitae Variant Classification Sherloc (09022015). Collection method: clinical testing. Allele origin: germline.
Comment: This sequence change replaces proline, which is neutral and non-polar, with serine, which is neutral and polar, at codon 172 of the HADHB protein (p.Pro172Ser). This variant is present in population databases (rs367891116, gnomAD 0.02%). This variant has not been reported in the literature in individuals affected with HADHB-related conditions. ClinVar contains an entry for this variant (Variation ID: 1200629). Advanced modeling of protein sequence and biophysical properties (such as structural, functional, and spatial information, amino acid conservation, physicochemical variation, residue mobility, and thermodynamic stability) performed at Invitae indicates that this missense variant is expected to disrupt HADHB protein function. In summary, the available evidence is currently insufficient to determine the role of this variant in disease. Therefore, it has been classified as a Variant of Uncertain Significance.

GeneDx
Classification: Uncertain significance. Last evaluated: 2019-11-11. Review status: criteria provided, single submitter. Criteria: GeneDx Variant Classification Process June 2021. Collection method: clinical testing. Allele origin: germline. Affected: yes.
Comment: In silico analysis, which includes protein predictors and evolutionary conservation, supports a deleterious effect; Has not been previously published as pathogenic or benign to our knowledge